The following is an entry in ClinVar:

ClinVar aggregate classification (germline): Uncertain significance (1 of 4 stars; one submission).

Conditions:
Charcot-Marie-Tooth disease type 2. Also called: Charcot-Marie-Tooth type 2. Identifiers: Orphanet 64746, MedGen C0270914, MONDO:0018993.

Allele frequency attached by ClinVar (database versions not stated): ExAC 0.00002; gnomAD exomes 0.00001.
gnomAD v4.1: 9 of 1,614,168 alleles (0.00056%); highest among the groups gnomAD compares: Non-Finnish European, 0.00076%; no homozygotes.

Submission:

Labcorp Genetics (formerly Invitae), Labcorp
Classification: Uncertain significance for Charcot-Marie-Tooth disease type 2. Last evaluated: 2022-09-07. Review status: criteria provided, single submitter. Criteria: Invitae Variant Classification Sherloc (09022015). Collection method: clinical testing. Allele origin: germline.
Comment: This variant is present in population databases (rs750769245, gnomAD 0.002%). This sequence change replaces proline, which is neutral and non-polar, with serine, which is neutral and polar, at codon 713 of the AARS protein (p.Pro713Ser). This variant has not been reported in the literature in individuals affected with AARS-related conditions. In summary, the available evidence is currently insufficient to determine the role of this variant in disease. Therefore, it has been classified as a Variant of Uncertain Significance. Algorithms developed to predict the effect of missense changes on protein structure and function (SIFT, PolyPhen-2, Align-GVGD) all suggest that this variant is likely to be tolerated. ClinVar contains an entry for this variant (Variation ID: 1682162).

NM_001605.3(AARS1):c.2137C>T (p.Pro713Ser)

Gene: AARS1 (alanyl-tRNA synthetase 1; minus strand). Cytogenetic location: 16q22.1.
Variant type: single nucleotide variant.
Coding change: c.2137C>T on transcript NM_001605.3 (MANE Select); coding-DNA position 2137, C replaced by T.
Protein change: p.Pro713Ser; replaces proline 713 with serine.
Molecular consequence: missense variant.
Genome position (GRCh38, 1-based): chr16:70,258,073, G>A on the plus strand (C>T on the coding strand, the complement: AARS1 is on the minus strand). VCF-style: chr16-70258073-G-A. GRCh37 (hg19) VCF-style: chr16-70291976-G-A.
Other names: short protein forms P713S.
Identifiers: ClinVar variation 1682162 (VCV001682162.8), dbSNP rs750769245, ClinGen allele CA8140553.
Genomic context (GRCh38, chr16:70,258,073, plus strand): 5'-TGCCCCTCTGCAGTACTCACGTTCCCCCACAGAACTCAACAGAAGTCAGGGAGCCAGCAG[G>A]CCCAGAGGGGTCATCCAGCAACTCGGACACCGGGACCCCAATGGAGACGACTCGCACAGG-3'
Protein context (NP_001596.2, residues 703-723): VSELLDDPSG[Pro713Ser]AGSLTSVEFC